The following is an entry in ClinVar:

ClinVar aggregate classification (germline): Benign/Likely benign. Review status: criteria provided, multiple submitters, no conflicts (2 of 4 stars). 8 submissions from 8 submitters: Benign (3); Likely benign (3). 2 of the submissions do not count toward it. Last evaluated 2026-01-28.

Conditions:
Dilated cardiomyopathy 1JJ (CMD1JJ). Identifiers: Orphanet 154, MedGen C3808935, MONDO:0014095, OMIM 615235.

Allele frequency attached by ClinVar (database versions not stated): gnomAD 0.00174 and 0.00156; TOPMed 0.00193; ExAC 0.00044; gnomAD exomes 0.00038; 1000 Genomes Project 0.00080; 1000 Genomes Project 30x 0.00156; ESP Exome Variant Server 0.00192.
gnomAD v4.1: 448 of 1,576,588 alleles (0.028%); highest among the groups gnomAD compares: African/African-American, 0.54%; no homozygotes.

Submissions (8):

Labcorp Genetics (formerly Invitae), Labcorp
Classification: Benign for Dilated cardiomyopathy 1JJ. Last evaluated: 2026-01-28. Review status: criteria provided, single submitter. Criteria: Invitae Variant Classification Sherloc (09022015). Collection method: clinical testing. Allele origin: germline.

Blueprint Genetics
Classification: Likely benign. Last evaluated: 2024-03-11. Review status: criteria provided, single submitter. Criteria: ACMG Guidelines, 2015. Collection method: clinical testing. Allele origin: germline.

Women's Health and Genetics/Laboratory Corporation of America, LabCorp
Classification: Benign. Last evaluated: 2023-07-29. Review status: criteria provided, single submitter. Criteria: LabCorp Variant Classification Summary - May 2015. Collection method: clinical testing. Allele origin: germline.

Fulgent Genetics
Classification: Likely benign for Dilated cardiomyopathy 1JJ. Last evaluated: 2021-08-19. Review status: criteria provided, single submitter. Criteria: ACMG Guidelines, 2015. Collection method: clinical testing. Allele origin: unknown.

Laboratory for Molecular Medicine, Mass General Brigham Personalized Medicine
Classification: Likely benign. Last evaluated: 2015-06-25. Review status: criteria provided, single submitter. Criteria: LMM Criteria. Collection method: clinical testing. Allele origin: germline. Observed: 4 variant alleles.
Comment: c.196-9C>T in intron 2 of LAMA4: This variant is not expected to have clinical s ignificance because a C>T change at this position does not diverge from the spli ce consensus sequence and is therefore unlikely to impact splicing. In addition, it has been identified in 0.5% (49/10244) of African chromosomes by the Exome A ggregation Consortium (ExAC;.dbSNP rs144850734).

GeneDx
Classification: Benign. Last evaluated: 2014-03-05. Review status: criteria provided, single submitter. Criteria: GeneDx Variant Classification (06012015). Collection method: clinical testing. Allele origin: germline. Affected: yes.
Comment: This variant is considered likely benign or benign based on one or more of the following criteria: it is a conservative change, it occurs at a poorly conserved position in the protein, it is predicted to be benign by multiple in silico algorithms, and/or has population frequency not consistent with disease.

Clinical Genetics DNA and cytogenetics Diagnostics Lab, Erasmus MC, Erasmus Medical Center
Classification: Likely benign. Review status: no assertion criteria provided. Collection method: clinical testing. Allele origin: germline. Affected: yes. Study: VKGL Data-share Consensus. Not counted in ClinVar's aggregate classification.

Clinical Genetics, Academic Medical Center
Classification: Benign. Review status: no assertion criteria provided. Collection method: clinical testing. Allele origin: germline. Affected: yes. Study: VKGL Data-share Consensus. Not counted in ClinVar's aggregate classification.

NM_001105206.3(LAMA4):c.196-9C>T

Gene: LAMA4 (laminin subunit alpha 4; minus strand). Cytogenetic location: 6q21.
Variant type: single nucleotide variant.
Coding change: c.196-9C>T on transcript NM_001105206.3 (MANE Select); 9 bases into the intron before coding-DNA position 196, C replaced by T.
Molecular consequence: intron variant.
Genome position (GRCh38, 1-based): chr6:112,216,478, G>A on the plus strand (C>T on the coding strand, the complement: LAMA4 is on the minus strand). VCF-style: chr6-112216478-G-A. GRCh37 (hg19) VCF-style: chr6-112537679-G-A.
Other names: c.196-9C>T (NM_001105206.2, NM_002290.5, NM_001105207.3).
Identifiers: ClinVar variation 44356 (VCV000044356.21), dbSNP rs144850734, ClinGen allele CA282365.